The following is an entry in ClinVar:

NM_023036.6(DNAI2):c.787C>T (p.Arg263Ter)

Gene: DNAI2 (dynein axonemal intermediate chain 2; plus strand). Cytogenetic location: 17q25.1.
Variant type: single nucleotide variant.
Coding change: c.787C>T on transcript NM_023036.6 (MANE Select); coding-DNA position 787, C replaced by T.
Protein change: p.Arg263Ter; replaces arginine 263 with a stop codon.
Molecular consequence: nonsense. On other transcripts: non-coding transcript variant (1).
Genome position (GRCh38, 1-based): chr17:74,299,780, C>T. VCF-style: chr17-74299780-C-T. GRCh37 (hg19) VCF-style: chr17-72295919-C-T.
Other names: c.787C>T, p.Arg263Ter (NM_001172810.3, NM_001353167.2); c.787C>T (NM_023036.5); short protein forms R263*.
Identifiers: ClinVar variation 4955 (VCV000004955.17), dbSNP rs137852998, ClinGen allele CA340319.

ClinVar aggregate classification (germline): Pathogenic. Review status: criteria provided, multiple submitters, no conflicts (2 of 4 stars). 6 submissions from 6 submitters: Pathogenic (4). 2 of the submissions do not count toward it. Last evaluated 2025-12-03.

Conditions:
Primary ciliary dyskinesia. Also called: Ciliary dyskinesia. Identifiers: Orphanet 244, MedGen C0008780, MONDO:0016575, HP:0012265.
Primary ciliary dyskinesia 9. Also called: CILIARY DYSKINESIA, PRIMARY, 9, WITH OR WITHOUT SITUS INVERSUS. Identifiers: Orphanet 244, MedGen C2676235, MONDO:0012906, OMIM 612444.

Allele frequency attached by ClinVar (database versions not stated): gnomAD 0.00004; TOPMed 0.00005.

Submissions (6):

Labcorp Genetics (formerly Invitae), Labcorp
Classification: Pathogenic for Primary ciliary dyskinesia. Last evaluated: 2025-12-03. Review status: criteria provided, single submitter. Criteria: Invitae Variant Classification Sherloc (09022015). Collection method: clinical testing. Allele origin: germline.
Comment: This sequence change creates a premature translational stop signal (p.Arg263*) in the DNAI2 gene. It is expected to result in an absent or disrupted protein product. Loss-of-function variants in DNAI2 are known to be pathogenic (PMID: 18950741, 23891469). This variant is present in population databases (rs137852998, gnomAD 0.006%). This premature translational stop signal has been observed in individual(s) with primary ciliary dyskinesia (PMID: 18950741). ClinVar contains an entry for this variant (Variation ID: 4955). For these reasons, this variant has been classified as Pathogenic.

Natera, Inc.
Classification: Pathogenic for Primary ciliary dyskinesia. Last evaluated: 2025-11-03. Review status: criteria provided, single submitter. Criteria: Natera Variant Classification Schema (03/2026). Collection method: clinical testing. Allele origin: germline.
Comment: The c.787C>T variant in DNAI2 is a nonsense variant predicted to introduce a stop codon at amino acid 263. This variant is expected to result in nonsense mediated decay, truncation, or a dysfunctional protein product. This variant is rare in the general population with a frequency below the threshold expected for the associated phenotype(s). This variant has been observed in one or more individuals affected with the associated recessive disease, as either homozygous or compound heterozygous with a second variant (PMID: 18950741, 35886035). Given the available evidence, this variant is classified as Pathogenic.

Myriad Genetics, Inc.
Classification: Pathogenic for Primary ciliary dyskinesia 9. Last evaluated: 2024-05-14. Review status: criteria provided, single submitter. Criteria: Myriad Autosomal Dominant, Autosomal Recessive and X-Linked Classification Criteria (2023). Collection method: clinical testing. Allele origin: unknown.
Comment: NM_023036.4(DNAI2):c.787C>T(R263*) is expected to be pathogenic in the context of primary ciliary dyskinesia, DNAI2-related. This variant is predicted to lead to an abnormal or absent protein product due to the creation of a premature termination codon in DNAI2, a gene where loss-of-function variants are known to be pathogenic. Please note: this variant was assessed in the context of healthy population screening.

GeneDx
Classification: Pathogenic. Last evaluated: 2024-02-08. Review status: criteria provided, single submitter. Criteria: GeneDx Variant Classification Process June 2021. Collection method: clinical testing. Allele origin: germline. Affected: yes.
Comment: Nonsense variant predicted to result in protein truncation or nonsense mediated decay in a gene for which loss of function is a known mechanism of disease; Protein expression studies performed using patient respiratory cells have demonstrated a lack of DNAI2 expression (PMID: 18950741); This variant is associated with the following publications: (PMID: 25525159, 31589614, 18950741, 36303540, 31980526, 35547246, 35886035)

OMIM
Classification: Pathogenic for CILIARY DYSKINESIA, PRIMARY, 9, WITH SITUS INVERSUS. Last evaluated: 2008-11-01. Review status: no assertion criteria provided. Collection method: literature only. Allele origin: germline. Not counted in ClinVar's aggregate classification.

GeneReviews
No classification provided. Condition: Primary ciliary dyskinesia 9. Review status: no classification provided. Collection method: literature only. Allele origin: unknown. Not counted in ClinVar's aggregate classification.

Literature cited by the submitters: PubMed 18950741 (cited by 4 submitters); PubMed 23891469 (cited by Labcorp Genetics (formerly Invitae), Labcorp); PubMed 35886035 (cited by Natera, Inc.); PubMed 20301301 (cited by GeneReviews); NCBI Bookshelf NBK1122 (cited by GeneReviews).